The following is an entry in ClinVar:

ClinVar aggregate classification (germline): Uncertain significance (1 of 4 stars; one submission).

Conditions:
Ehlers-Danlos syndrome, classic type, 1 (EDSCL1). Also called: Ehlers-Danlos syndrome, type 1; Ehlers-Danlos Syndrome, Classic Type, COL5A1-Related; EDS I; EHLERS-DANLOS SYNDROME, GRAVIS TYPE; EHLERS-DANLOS SYNDROME, SEVERE CLASSIC TYPE. Identifiers: MedGen C0268335, MONDO:0019567, OMIM 130000.

Submission:

Labcorp Genetics (formerly Invitae), Labcorp
Classification: Uncertain significance for Ehlers-Danlos syndrome, classic type, 1. Last evaluated: 2025-07-27. Review status: criteria provided, single submitter. Criteria: Invitae Variant Classification Sherloc (09022015). Collection method: clinical testing. Allele origin: germline.
Comment: This sequence change replaces alanine, which is neutral and non-polar, with threonine, which is neutral and polar, at codon 1231 of the COL5A2 protein (p.Ala1231Thr). Information on the frequency of this variant in the gnomAD database is not available, as this variant may be reported differently in the database. This variant has not been reported in the literature in individuals affected with COL5A2-related conditions. ClinVar contains an entry for this variant (Variation ID: 1919480). Experimental studies and prediction algorithms are not available or were not evaluated, and the functional significance of this variant is currently unknown. In summary, the available evidence is currently insufficient to determine the role of this variant in disease. Therefore, it has been classified as a Variant of Uncertain Significance.

NM_000393.5(COL5A2):c.3690_3691delinsCA (p.Ala1231Thr)

Gene: COL5A2 (collagen type V alpha 2 chain; minus strand). Cytogenetic location: 2q32.2.
Variant type: Indel.
Coding change: c.3690_3691delinsCA on transcript NM_000393.5 (MANE Select); coding-DNA positions 3690 to 3691, AG replaced by CA.
Protein change: p.Ala1231Thr; replaces alanine 1231 with threonine.
Molecular consequence: missense variant.
Genome position (GRCh38, 1-based): chr2:189,039,506-189,039,507, CT replaced by TG on the plus strand (AG replaced by CA on the coding strand, the reverse complement: COL5A2 is on the minus strand). VCF-style: chr2-189039506-CT-TG. GRCh37 (hg19) VCF-style: chr2-189904232-CT-TG.
Other names: short protein forms A1231T.
Identifiers: ClinVar variation 1919480 (VCV001919480.5), dbSNP rs2469221758, ClinGen allele CA2580065311.